The following is an entry in ClinVar:

ClinVar aggregate classification (germline): Uncertain significance (1 of 4 stars; one submission).

Conditions:
Radial aplasia-thrombocytopenia syndrome (TAR). Also called: Thrombocytopenia Absent Radius Syndrome; TAR syndrome. Identifiers: Orphanet 3320, MedGen C0175703, MeSH C536940, MONDO:0010121, OMIM 274000.

Submission:

Labcorp Genetics (formerly Invitae), Labcorp
Classification: Uncertain significance for Radial aplasia-thrombocytopenia syndrome. Last evaluated: 2020-12-30. Review status: criteria provided, single submitter. Criteria: Invitae Variant Classification Sherloc (09022015). Collection method: clinical testing. Allele origin: germline.
Comment: In summary, the available evidence is currently insufficient to determine the role of this variant in disease. Therefore, it has been classified as a Variant of Uncertain Significance. Nucleotide substitutions within the consensus splice site are a relatively common cause of aberrant splicing (PMID: 17576681, 9536098). Experimental studies and prediction algorithms are not available or were not evaluated, and the functional significance of this variant is currently unknown. This variant has been observed in individual(s) with clinical features of thrombocytopenia-absent radius syndrome (Invitae). In at least one individual the data is consistent with the variant being in trans (on the opposite chromosome) from a pathogenic variant. This variant is not present in population databases (ExAC no frequency). This sequence change replaces arginine with lysine at codon 160 of the RBM8A protein (p.Arg160Lys). The arginine residue is highly conserved and there is a small physicochemical difference between arginine and lysine. This variant also falls at the last nucleotide of exon 5, which is part of the consensus splice site for this exon.

Literature cited by the submitters: PubMed 17576681; PubMed 9536098.

NM_005105.5(RBM8A):c.479G>A (p.Arg160Lys)

Gene: RBM8A (RNA binding motif protein 8A; minus strand). Cytogenetic location: 1q21.1.
Variant type: single nucleotide variant.
Coding change: c.479G>A on transcript NM_005105.5 (MANE Select); coding-DNA position 479, G replaced by A.
Protein change: p.Arg160Lys; replaces arginine 160 with lysine.
Molecular consequence: missense variant.
Genome position (GRCh38, 1-based): chr1:145,926,041, C>T on the plus strand (G>A on the coding strand, the complement: RBM8A is on the minus strand). VCF-style: chr1-145926041-C-T. GRCh37 (hg19) VCF-style: chr1-145509052-G-A.
Other names: short protein forms R160K.
Identifiers: ClinVar variation 1503560 (VCV001503560.6), dbSNP rs2101877556, ClinGen allele CA342126795.